The following is an entry in ClinVar:

ClinVar aggregate classification (germline): Uncertain significance. Review status: criteria provided, multiple submitters, no conflicts (2 of 4 stars). 2 submissions from 2 submitters: Uncertain significance (2). Last evaluated 2024-07-29.

Conditions:
Loeys-Dietz syndrome (LDS). Identifiers: Orphanet 60030, MedGen C2697932, MONDO:0018954.
Familial thoracic aortic aneurysm and aortic dissection (TAAD). Also called: Thoracic aortic aneurysms and dissections. Identifiers: Orphanet 91387, MedGen C4707243, MONDO:0019625.

Allele frequency attached by ClinVar (database versions not stated): gnomAD exomes below 0.00001; TOPMed below 0.00001; ExAC 0.00001; gnomAD 0.00001.
gnomAD v4.1: 1 of 1,613,598 alleles (0.000062%); highest among the groups gnomAD compares: Non-Finnish European, 0.000085%; no homozygotes.

Submissions (2):

All of Us Research Program, National Institutes of Health
Classification: Uncertain significance for Loeys-Dietz syndrome. Last evaluated: 2024-07-29. Review status: criteria provided, single submitter. Criteria: ACMG Guidelines, 2015. Collection method: clinical testing. Allele origin: germline. Inheritance: Autosomal dominant inheritance. Observed: 1 variant allele, 1 heterozygote.
Comment: This missense variant replaces alanine with glycine at codon 380 of the TGFBR1 protein. Computational prediction suggests that this variant may have deleterious impact on protein structure and function (internally defined REVEL score threshold >= 0.7, PMID: 27666373). To our knowledge, functional studies have not been reported for this variant. This variant has not been reported in individuals affected with TGFBR1-related disorders in the literature. This variant has been identified in 1/251250 chromosomes in the general population by the Genome Aggregation Database (gnomAD). The available evidence is insufficient to determine the role of this variant in disease conclusively. Therefore, this variant is classified as a Variant of Uncertain Significance.

This study involves interpretation of variants in research participants for the purpose of population health screening. Participant phenotype was not available at the time of variant classification. Additional details can be found in publication PMID: 35346344, PMCID: PMC8962531

Ambry Genetics
Classification: Uncertain significance for Familial thoracic aortic aneurysm and aortic dissection. Last evaluated: 2022-06-06. Review status: criteria provided, single submitter. Criteria: Ambry Variant Classification Scheme 2023. Collection method: clinical testing. Allele origin: germline.
Comment: The p.A380G variant (also known as c.1139C>G), located in coding exon 7 of the TGFBR1 gene, results from a C to G substitution at nucleotide position 1139. The alanine at codon 380 is replaced by glycine, an amino acid with similar properties. This amino acid position is conserved. In addition, this alteration is predicted to be deleterious by in silico analysis. Since supporting evidence is limited at this time, the clinical significance of this alteration remains unclear.

NM_004612.4(TGFBR1):c.1139C>G (p.Ala380Gly)

Gene: TGFBR1 (transforming growth factor beta receptor 1; plus strand). Cytogenetic location: 9q22.33.
Variant type: single nucleotide variant.
Coding change: c.1139C>G on transcript NM_004612.4 (MANE Select); coding-DNA position 1139, C replaced by G.
Protein change: p.Ala380Gly; replaces alanine 380 with glycine.
Molecular consequence: missense variant.
Genome position (GRCh38, 1-based): chr9:99,146,493, C>G. VCF-style: chr9-99146493-C-G. GRCh37 (hg19) VCF-style: chr9-101908775-C-G.
Other names: c.908C>G, p.Ala303Gly (NM_001130916.3); c.1151C>G, p.Ala384Gly (NM_001306210.2); short protein forms A380G, A384G, A303G.
Identifiers: ClinVar variation 1730576 (VCV001730576.3), dbSNP rs746047431, ClinGen allele CA044169.
Genomic context (GRCh38, chr9:99,146,493, plus strand): 5'-ATATGGCAGTAAGGGGATGATTTTCAAAGTTCTTTTTGCAAATTTTTTTTAGGTACATGG[C>G]CCCTGAAGTTCTCGATGATTCCATAAATATGAAACATTTTGAATCCTTCAAACGTGCTGA-3'
Protein context (NP_004603.1, residues 370-390): NHRVGTKRYM[Ala380Gly]PEVLDDSINM